The following is an entry in ClinVar:

ClinVar aggregate classification (germline): Uncertain significance (1 of 4 stars; one submission).

Conditions:
Inborn genetic diseases. Identifiers: MedGen C0950123, MeSH D030342.

Submission:

Ambry Genetics
Classification: Uncertain significance for Inborn genetic diseases. Last evaluated: 2026-02-24. Review status: criteria provided, single submitter. Criteria: Ambry Variant Classification Scheme 2023. Collection method: clinical testing. Allele origin: germline.
Comment: The p.P71H variant (also known as c.212C>A), located in coding exon 1 of the KDM1A gene, results from a C to A substitution at nucleotide position 212. The proline at codon 71 is replaced by histidine, an amino acid with similar properties. This amino acid position is conserved. In addition, this alteration is predicted to be tolerated by in silico analysis. Based on the available evidence, the clinical significance of this variant remains unclear.

NM_001009999.3(KDM1A):c.212C>A (p.Pro71His)

Gene: KDM1A (lysine demethylase 1A; plus strand). Cytogenetic location: 1p36.12.
Variant type: single nucleotide variant.
Coding change: c.212C>A on transcript NM_001009999.3 (MANE Select); coding-DNA position 212, C replaced by A.
Protein change: p.Pro71His; replaces proline 71 with histidine.
Molecular consequence: missense variant.
Genome position (GRCh38, 1-based): chr1:23,019,808, C>A. VCF-style: chr1-23019808-C-A. GRCh37 (hg19) VCF-style: chr1-23346301-C-A.
Other names: c.212C>A, p.Pro71His (NM_001363654.2, NM_001410762.1, NM_001410763.1 and 1 more transcripts); short protein forms P71H.
Identifiers: ClinVar variation 4826110 (VCV004826110.1).